The following is an entry in ClinVar:

ClinVar aggregate classification (germline): Uncertain significance. Review status: criteria provided, multiple submitters, no conflicts (2 of 4 stars). 3 submissions from 3 submitters: Uncertain significance (3). Last evaluated 2026-07-03.

Conditions:
Malignant hyperthermia, susceptibility to, 5 (MHS5). Also called: CACNA1S-Related Malignant Hyperthermia Susceptibility. Identifiers: Orphanet 423, MedGen C1866077, MONDO:0011163, OMIM 601887.
Inborn genetic diseases. Identifiers: MedGen C0950123, MeSH D030342.
Hypokalemic periodic paralysis, type 1. Also called: Hypokalemic Periodic Paralysis Type 1 (AD); HypoPP. Identifiers: Orphanet 681, MedGen C3714580, MONDO:0042979, OMIM 170400.

Allele frequency attached by ClinVar (database versions not stated): gnomAD 0.00001; TOPMed 0.00001.

Submissions (3):

Ambry Genetics
Classification: Uncertain significance for Inborn genetic diseases. Last evaluated: 2026-07-03. Review status: criteria provided, single submitter. Criteria: Ambry Variant Classification Scheme 2023. Collection method: clinical testing. Allele origin: germline.

All of Us Research Program, National Institutes of Health
Classification: Uncertain significance for Malignant hyperthermia, susceptibility to, 5. Last evaluated: 2023-12-01. Review status: criteria provided, single submitter. Criteria: ACMG Guidelines, 2015. Collection method: clinical testing. Allele origin: germline. Inheritance: Autosomal dominant inheritance. Observed: 1 variant allele, 1 heterozygote.
Comment: This study involves interpretation of variants in research participants for the purpose of population health screening. Participant phenotype was not available at the time of variant classification. Additional details can be found in publication PMID: 35346344, PMCID: PMC8962531

Labcorp Genetics (formerly Invitae), Labcorp
Classification: Uncertain significance for Hypokalemic periodic paralysis, type 1; Malignant hyperthermia, susceptibility to, 5. Last evaluated: 2023-01-22. Review status: criteria provided, single submitter. Criteria: Invitae Variant Classification Sherloc (09022015). Collection method: clinical testing. Allele origin: germline.
Comment: Advanced modeling of protein sequence and biophysical properties (such as structural, functional, and spatial information, amino acid conservation, physicochemical variation, residue mobility, and thermodynamic stability) performed at Invitae indicates that this missense variant is expected to disrupt CACNA1S protein function. In summary, the available evidence is currently insufficient to determine the role of this variant in disease. Therefore, it has been classified as a Variant of Uncertain Significance. This variant has not been reported in the literature in individuals affected with CACNA1S-related conditions. This variant is not present in population databases (gnomAD no frequency). This sequence change replaces valine, which is neutral and non-polar, with methionine, which is neutral and non-polar, at codon 1270 of the CACNA1S protein (p.Val1270Met).

NM_000069.3(CACNA1S):c.3808G>A (p.Val1270Met)

Gene: CACNA1S (calcium voltage-gated channel subunit alpha1 S; minus strand). Cytogenetic location: 1q32.1.
Variant type: single nucleotide variant.
Coding change: c.3808G>A on transcript NM_000069.3 (MANE Select); coding-DNA position 3808, G replaced by A.
Protein change: p.Val1270Met; replaces valine 1270 with methionine.
Molecular consequence: missense variant.
Genome position (GRCh38, 1-based): chr1:201,053,262, C>T on the plus strand (G>A on the coding strand, the complement: CACNA1S is on the minus strand). VCF-style: chr1-201053262-C-T. GRCh37 (hg19) VCF-style: chr1-201022390-C-T.
Other names: c.3808G>A (NM_000069.2); short protein forms V1270M.
Identifiers: ClinVar variation 2954121 (VCV002954121.5), dbSNP rs749105028, ClinGen allele CA36002576.